The following is an entry in ClinVar:

ClinVar aggregate classification (germline): Uncertain significance (1 of 4 stars; one submission).

Conditions:
Hereditary cancer-predisposing syndrome. Also called: Neoplastic Syndromes, Hereditary; Tumor predisposition; Hereditary Cancer Syndrome; Hereditary neoplastic syndrome. Identifiers: Orphanet 140162, MedGen C0027672, MeSH D009386, MONDO:0015356.

Submission:

Ambry Genetics
Classification: Uncertain significance for Hereditary cancer-predisposing syndrome. Last evaluated: 2026-06-04. Review status: criteria provided, single submitter. Criteria: Ambry Variant Classification Scheme 2023. Collection method: clinical testing. Allele origin: germline.
Comment: The c.355_357delGAA variant (also known as p.E119del) is located in coding exon 4 of the ATM gene. This variant results from an in-frame GAA deletion at nucleotide positions 355 to 357. This results in the in-frame deletion of a glutamic acid at codon 119. This amino acid position is well conserved in available vertebrate species. In addition, this variant is predicted to be deleterious by in silico analysis (Choi Y et al. PLoS ONE. 2012; 7(10):e46688). Based on the available evidence, the clinical significance of this variant remains unclear.

NM_000051.4(ATM):c.355_357del (p.Glu119del)

Gene: ATM (ATM serine/threonine kinase; plus strand). Cytogenetic location: 11q22.3.
Variant type: Deletion.
Coding change: c.355_357del on transcript NM_000051.4 (MANE Select); coding-DNA positions 355 to 357, 3 bases deleted (GAA; older notation c.355_357delGAA).
Protein change: p.Glu119del; deletes glutamic acid 119.
Molecular consequence: inframe deletion.
Genome position (GRCh38, 1-based): chr11:108,235,693-108,235,695, GAA deleted; deleting any 3 consecutive bases within chr11:108,235,691-108,235,695 gives the same sequence; the c. name uses the placement nearest the transcript's 3' end. VCF-style (leftmost placement, unchanged base first): chr11-108235690-CAAG-C. GRCh37 (hg19) VCF-style: chr11-108106417-CAAG-C.
Other names: c.355_357del, p.Glu119del (NM_001351834.2); short protein forms E119del.
Identifiers: ClinVar variation 4867104 (VCV004867104.1).